The following is an entry in ClinVar:

NM_021116.4(ADCY1):c.2296G>A (p.Val766Ile)

Gene: ADCY1 (adenylate cyclase 1; plus strand). Cytogenetic location: 7p12.3.
Variant type: single nucleotide variant.
Coding change: c.2296G>A on transcript NM_021116.4 (MANE Select); coding-DNA position 2296, G replaced by A.
Protein change: p.Val766Ile; replaces valine 766 with isoleucine.
Molecular consequence: missense variant.
Genome position (GRCh38, 1-based): chr7:45,686,184, G>A. VCF-style: chr7-45686184-G-A. GRCh37 (hg19) VCF-style: chr7-45725783-G-A.
Other names: short protein forms V766I.
Identifiers: ClinVar variation 4986423 (VCV004986423.1).

ClinVar aggregate classification (germline): Uncertain significance (1 of 4 stars; one submission).

Conditions:
ADCY1-related disorder. Also called: ADCY1-related condition.

gnomAD v4.1: 11 of 1,614,050 alleles (0.00068%); highest among the groups gnomAD compares: Middle Eastern, 0.016%; no homozygotes.

Submission:

PreventionGenetics, part of Exact Sciences
Classification: Uncertain significance for ADCY1-related condition. Last evaluated: 2025-03-05. Review status: criteria provided, single submitter. Criteria: ACMG Guidelines, 2015. Collection method: clinical testing. Allele origin: germline.
Comment: The ADCY1 c.2296G>A variant is predicted to result in the amino acid substitution p.Val766Ile. To our knowledge, this variant has not been reported in the literature. This variant is reported in 0.0033% of alleles in individuals of South Asian descent in gnomAD. At this time, the clinical significance of this variant is uncertain due to the absence of conclusive functional and genetic evidence.